The following is an entry in ClinVar:

NR_199791.1:n.104T>C

Gene: RNU2-2 (RNA, U2 small nuclear 2; minus strand).
Variant type: single nucleotide variant.
Identifiers: ClinVar variation 4852456 (VCV004852456.1).

ClinVar aggregate classification (germline): Likely pathogenic (1 of 4 stars; one submission).

Conditions:
RNU2-2 related neurodevelopmental disorder.

Submission:

Kasturba Medical College, Manipal, Kasturba Medical College, Manipal, Manipal Academy of Higher Education, Manipal, India
Classification: Likely pathogenic for RNU2-2 related neurodevelopmental disorder. Last evaluated: 2026-05-26. Review status: criteria provided, single submitter. Criteria: ACMG Guidelines, 2015. Collection method: research. Allele origin: biparental. Inheritance: Autosomal recessive inheritance. Affected: yes. Observed: 1 variant allele, 1 homozygote.
Comment: This variant is present in three individuals in heterozygous state and absent in homozygous state in gnomAD population database (v4.1.0).

Literature cited by the submitters: PubMed 40950445; PubMed 40909831.